The following is an entry in ClinVar:

NM_206943.4(LTBP1):c.4270+2T>C

Gene: LTBP1 (latent transforming growth factor beta binding protein 1; plus strand). Cytogenetic location: 2p22.3.
Variant type: single nucleotide variant.
Coding change: c.4270+2T>C on transcript NM_206943.4 (MANE Select); the canonical splice donor site of the intron after coding-DNA position 4270, T replaced by C.
Molecular consequence: splice donor variant.
Genome position (GRCh38, 1-based): chr2:33,361,517, T>C. VCF-style: chr2-33361517-T-C. GRCh37 (hg19) VCF-style: chr2-33586584-T-C.
Other names: c.3004+2T>C (NM_001394921.1); c.4111+2T>C (NM_001394905.1); c.3049+2T>C (NM_001394916.1); c.3292+2T>C (NM_000627.4); c.3148+2T>C (NM_001394912.1); c.3166+2T>C (NM_001166264.2, NM_001394909.1); c.3022+2T>C (NM_001394918.1); c.3172+2T>C (NM_001394908.1); and 13 more.
Identifiers: ClinVar variation 2082392 (VCV002082392.1), dbSNP rs2482951128, ClinGen allele CA346564302.

ClinVar aggregate classification (germline): Likely pathogenic (1 of 4 stars; one submission).

Submission:

Labcorp Genetics (formerly Invitae), Labcorp
Classification: Likely pathogenic. Last evaluated: 2022-06-29. Review status: criteria provided, single submitter. Criteria: Invitae Variant Classification Sherloc (09022015). Collection method: clinical testing. Allele origin: germline.
Comment: This sequence change affects a donor splice site in intron 28 of the LTBP1 gene. It is expected to disrupt RNA splicing. Variants that disrupt the donor or acceptor splice site typically lead to a loss of protein function (PMID: 16199547), and loss-of-function variants in LTBP1 are known to be pathogenic (PMID: 33991472). This variant is not present in population databases (gnomAD no frequency). This variant has not been reported in the literature in individuals affected with LTBP1-related conditions. Algorithms developed to predict the effect of sequence changes on RNA splicing suggest that this variant may disrupt the consensus splice site. In summary, the currently available evidence indicates that the variant is pathogenic, but additional data are needed to prove that conclusively. Therefore, this variant has been classified as Likely Pathogenic.

Literature cited by the submitters: PubMed 16199547; PubMed 33991472.